The following is an entry in ClinVar:

NM_198253.3(TERT):c.433G>A (p.Gly145Ser)

Gene: TERT (telomerase reverse transcriptase; minus strand). Cytogenetic location: 5p15.33.
Variant type: single nucleotide variant.
Coding change: c.433G>A on transcript NM_198253.3 (MANE Select); coding-DNA position 433, G replaced by A.
Protein change: p.Gly145Ser; replaces glycine 145 with serine.
Molecular consequence: missense variant. On other transcripts: non-coding transcript variant (2).
Genome position (GRCh38, 1-based): chr5:1,294,453, C>T on the plus strand (G>A on the coding strand, the complement: TERT is on the minus strand). VCF-style: chr5-1294453-C-T. GRCh37 (hg19) VCF-style: chr5-1294568-C-T.
Other names: c.433G>A, p.Gly145Ser (NM_001193376.3, NM_003219.1); short protein forms G145S.
Identifiers: ClinVar variation 2954114 (VCV002954114.3), dbSNP rs1751246105, ClinGen allele CA359058045.

ClinVar aggregate classification (germline): Uncertain significance (1 of 4 stars; one submission).

Conditions:
Dyskeratosis congenita, autosomal dominant 2. Identifiers: MedGen C3151443, MONDO:0013521, OMIM 613989.
Idiopathic Pulmonary Fibrosis. Also called: Idiopathic fibrosing alveolitis, chronic form; idiopathic fibrosing alveolitis. Identifiers: Orphanet 2032, MedGen C1800706, MeSH D054990, MONDO:0800504.

Submission:

Labcorp Genetics (formerly Invitae), Labcorp
Classification: Uncertain significance for Dyskeratosis congenita, autosomal dominant 2; Idiopathic Pulmonary Fibrosis. Last evaluated: 2023-11-22. Review status: criteria provided, single submitter. Criteria: Invitae Variant Classification Sherloc (09022015). Collection method: clinical testing. Allele origin: germline.
Comment: This sequence change replaces glycine, which is neutral and non-polar, with serine, which is neutral and polar, at codon 145 of the TERT protein (p.Gly145Ser). This variant is not present in population databases (gnomAD no frequency). This variant has not been reported in the literature in individuals affected with TERT-related conditions. Advanced modeling of protein sequence and biophysical properties (such as structural, functional, and spatial information, amino acid conservation, physicochemical variation, residue mobility, and thermodynamic stability) performed at Invitae indicates that this missense variant is expected to disrupt TERT protein function with a positive predictive value of 95%. In summary, the available evidence is currently insufficient to determine the role of this variant in disease. Therefore, it has been classified as a Variant of Uncertain Significance.